The following is an entry in ClinVar:

NM_001165963.4(SCN1A):c.5529A>C (p.Gln1843His)

Genes: SCN1A (sodium voltage-gated channel alpha subunit 1; minus strand), LOC102724058 (uncharacterized LOC102724058; plus strand). Cytogenetic location: 2q24.3.
Variant type: single nucleotide variant.
Coding change: c.5529A>C on transcript NM_001165963.4 (MANE Select); coding-DNA position 5529, A replaced by C.
Protein change: p.Gln1843His; replaces glutamine 1843 with histidine.
Molecular consequence: missense variant. On other transcripts: non-coding transcript variant (1).
Genome position (GRCh38, 1-based): chr2:165,991,746, T>G on the plus strand (A>C on the coding strand, the complement: SCN1A is on the minus strand). VCF-style: chr2-165991746-T-G. GRCh37 (hg19) VCF-style: chr2-166848256-T-G.
Other names: c.5445A>C, p.Gln1815His (NM_001165964.3, NM_001353957.2, NM_001353958.2); c.5529A>C, p.Gln1843His (NM_001202435.3, NM_001353948.2); c.5496A>C, p.Gln1832His (NM_001353949.2, NM_001353950.2, NM_001353951.2 and 2 more transcripts); c.5493A>C, p.Gln1831His (NM_001353954.2, NM_001353955.2); c.5442A>C, p.Gln1814His (NM_001353960.2); c.3087A>C, p.Gln1029His (NM_001353961.2); short protein forms Q1029H, Q1843H, Q1814H, Q1831H, Q1832H, Q1815H.
Identifiers: ClinVar variation 3633999 (VCV003633999.2).

ClinVar aggregate classification (germline): Uncertain significance (1 of 4 stars; one submission).

Conditions:
Early-infantile DEE. Also called: Early infantile epileptic encephalopathy; Ohtahara syndrome; Early infantile epileptic encephalopathy with suppression bursts. Identifiers: Orphanet 1934, MedGen C0393706, MONDO:0800491.

Submission:

Labcorp Genetics (formerly Invitae), Labcorp
Classification: Uncertain significance for Early-infantile DEE. Last evaluated: 2024-06-19. Review status: criteria provided, single submitter. Criteria: Invitae Variant Classification Sherloc (09022015). Collection method: clinical testing. Allele origin: germline.
Comment: This sequence change replaces glutamine, which is neutral and polar, with histidine, which is basic and polar, at codon 1843 of the SCN1A protein (p.Gln1843His). This variant is not present in population databases (gnomAD no frequency). This variant has not been reported in the literature in individuals affected with SCN1A-related conditions. Advanced modeling of protein sequence and biophysical properties (such as structural, functional, and spatial information, amino acid conservation, physicochemical variation, residue mobility, and thermodynamic stability) performed at Invitae indicates that this missense variant is not expected to disrupt SCN1A protein function with a negative predictive value of 95%. In summary, the available evidence is currently insufficient to determine the role of this variant in disease. Therefore, it has been classified as a Variant of Uncertain Significance.